The following is an entry in ClinVar:

ClinVar aggregate classification (germline): Conflicting classifications of pathogenicity. Review status: criteria provided, conflicting classifications (1 of 4 stars). 6 submissions from 6 submitters: Pathogenic (1); Likely pathogenic (3); Uncertain significance (1). 1 of the submissions does not count toward it. Last evaluated 2025-06-27.

Conditions:
MPI-related disorder. Also called: MPI-related condition.
MPI-congenital disorder of glycosylation. Also called: MPI-CDG; PROTEIN-LOSING ENTEROPATHY-HEPATIC FIBROSIS SYNDROME; CONGENITAL DISORDER OF GLYCOSYLATION, TYPE Ib; MPI DEFICIENCY; CDG Ib; MANNOSEPHOSPHATE ISOMERASE DEFICIENCY. Identifiers: Orphanet 79319, MedGen C1865145, MONDO:0011257, OMIM 602579.

Allele frequency attached by ClinVar (database versions not stated): TOPMed below 0.00001; gnomAD 0.00001 and 0.00002; gnomAD exomes 0.00001 and 0.00004.

Submissions (6):

Natera, Inc.
Classification: Likely pathogenic for Congenital disorder of glycosylation type 1b. Last evaluated: 2025-06-27. Review status: criteria provided, single submitter. Criteria: Natera Variant Classification Schema (03/2026). Collection method: clinical testing. Allele origin: germline.
Comment: The c.487+2delT variant in MPI is a canonical splice donor site variant predicted to affect pre-mRNA splicing, which may result in an abnormal transcript and altered protein product. This variant is expected to result in nonsense mediated decay, truncation, or a dysfunctional protein product. This variant is rare in the general population with a frequency below the threshold expected for the associated phenotype(s). Given the available evidence, this variant is classified as Likely Pathogenic.

Fulgent Genetics
Classification: Likely pathogenic for MPI-congenital disorder of glycosylation. Last evaluated: 2024-05-13. Review status: criteria provided, single submitter. Criteria: ACMG Guidelines, 2015. Collection method: clinical testing. Allele origin: germline.

Labcorp Genetics (formerly Invitae), Labcorp
Classification: Likely pathogenic for MPI-congenital disorder of glycosylation. Last evaluated: 2023-12-09. Review status: criteria provided, single submitter. Criteria: Invitae Variant Classification Sherloc (09022015). Collection method: clinical testing. Allele origin: germline.
Comment: This sequence change affects a splice site in intron 4 of the MPI gene. It is expected to disrupt RNA splicing. Variants that disrupt the donor or acceptor splice site typically lead to a loss of protein function (PMID: 16199547), and loss-of-function variants in MPI are known to be pathogenic (PMID: 19862844). This variant is present in population databases (no rsID available, gnomAD 0.002%). This variant has not been reported in the literature in individuals affected with MPI-related conditions. ClinVar contains an entry for this variant (Variation ID: 370515). Algorithms developed to predict the effect of sequence changes on RNA splicing suggest that this variant may disrupt the consensus splice site. In summary, the currently available evidence indicates that the variant is pathogenic, but additional data are needed to prove that conclusively. Therefore, this variant has been classified as Likely Pathogenic.

CeGaT Center for Human Genetics Tuebingen
Classification: Pathogenic. Last evaluated: 2023-04-01. Review status: criteria provided, single submitter. Criteria: CeGaT Center For Human Genetics Tuebingen Variant Classification Criteria Version 2. Collection method: clinical testing. Allele origin: germline. Affected: yes. Observed: 3 variant alleles.
Comment: MPI: PVS1, PM2

PreventionGenetics, part of Exact Sciences
Classification: Uncertain significance for MPI-related condition. Last evaluated: 2023-01-24. Review status: criteria provided, single submitter. Criteria: ACMG Guidelines, 2015. Collection method: clinical testing. Allele origin: germline.
Comment: The MPI c.487+2delT variant is predicted to result in a deletion affecting a canonical splice site. To our knowledge, this variant has not been reported in the literature.This variant is reported in 0.0023% of alleles in individuals of European (Non-Finnish) descent in gnomAD. Although we suspect that this variant may be pathogenic, at this time, the clinical significance of this variant is uncertain due to the absence of conclusive functional and genetic evidence.

Counsyl
Classification: Likely pathogenic for MPI-congenital disorder of glycosylation. Last evaluated: 2016-02-22. Review status: no assertion criteria provided. Collection method: clinical testing. Allele origin: unknown. Not counted in ClinVar's aggregate classification.

Literature cited by the submitters: PubMed 16199547 (cited by Labcorp Genetics (formerly Invitae), Labcorp); PubMed 19862844 (cited by Labcorp Genetics (formerly Invitae), Labcorp).

NM_002435.3(MPI):c.487+2del

Gene: MPI (mannose phosphate isomerase; plus strand). Cytogenetic location: 15q24.1.
Variant type: Deletion.
Coding change: c.487+2del on transcript NM_002435.3 (MANE Select); the canonical splice donor site of the intron after coding-DNA position 487, one base deleted (T; older notation c.487+2delT).
Molecular consequence: splice donor variant.
Genome position (GRCh38, 1-based): chr15:74,892,804, T deleted. VCF-style (leftmost placement, unchanged base first): chr15-74892803-GT-G. GRCh37 (hg19) VCF-style: chr15-75185144-GT-G.
Other names: c.427+2del (NM_001330372.2); c.487+2del (NM_001289155.2, NM_001289157.2); c.337+2del (NM_001289156.2); c.487+2delT (NM_002435.2).
Identifiers: ClinVar variation 370515 (VCV000370515.45), dbSNP rs1057516550, ClinGen allele CA16041747.